The following is an entry in ClinVar:

NM_030773.4(TUBB1):c.1044C>A (p.Asn348Lys)

Gene: TUBB1 (tubulin beta 1 class VI; plus strand). Cytogenetic location: 20q13.32.
Variant type: single nucleotide variant.
Coding change: c.1044C>A on transcript NM_030773.4 (MANE Select); coding-DNA position 1044, C replaced by A.
Protein change: p.Asn348Lys; replaces asparagine 348 with lysine.
Molecular consequence: missense variant.
Genome position (GRCh38, 1-based): chr20:59,024,471, C>A. VCF-style: chr20-59024471-C-A. GRCh37 (hg19) VCF-style: chr20-57599526-C-A.
Other names: short protein forms N348K.
Identifiers: ClinVar variation 1945437 (VCV001945437.5), dbSNP rs759367873, ClinGen allele CA409468205.

ClinVar aggregate classification (germline): Uncertain significance (1 of 4 stars; one submission).

Submission:

Labcorp Genetics (formerly Invitae), Labcorp
Classification: Uncertain significance. Last evaluated: 2024-01-25. Review status: criteria provided, single submitter. Criteria: Invitae Variant Classification Sherloc (09022015). Collection method: clinical testing. Allele origin: germline.
Comment: This sequence change replaces asparagine, which is neutral and polar, with lysine, which is basic and polar, at codon 348 of the TUBB1 protein (p.Asn348Lys). This variant is not present in population databases (gnomAD no frequency). This variant has not been reported in the literature in individuals affected with TUBB1-related conditions. ClinVar contains an entry for this variant (Variation ID: 1945437). Advanced modeling of protein sequence and biophysical properties (such as structural, functional, and spatial information, amino acid conservation, physicochemical variation, residue mobility, and thermodynamic stability) performed at Invitae indicates that this missense variant is expected to disrupt TUBB1 protein function with a positive predictive value of 80%. In summary, the available evidence is currently insufficient to determine the role of this variant in disease. Therefore, it has been classified as a Variant of Uncertain Significance.